The following is an entry in ClinVar:

NM_003060.4(SLC22A5):c.23C>T (p.Thr8Ile)

Gene: SLC22A5 (solute carrier family 22 member 5; plus strand). Cytogenetic location: 5q31.1.
Variant type: single nucleotide variant.
Coding change: c.23C>T on transcript NM_003060.4 (MANE Select); coding-DNA position 23, C replaced by T.
Protein change: p.Thr8Ile; replaces threonine 8 with isoleucine.
Molecular consequence: missense variant.
Genome position (GRCh38, 1-based): chr5:132,369,995, C>T. VCF-style: chr5-132369995-C-T. GRCh37 (hg19) VCF-style: chr5-131705687-C-T.
Other names: c.23C>T, p.Thr8Ile (NM_001308122.2); short protein forms T8I.
Identifiers: ClinVar variation 2157553 (VCV002157553.3), dbSNP rs923600059, ClinGen allele CA127196062.
Genomic context (GRCh38, chr5:132,369,995, plus strand): 5'-CGACCCCAGGCCGCGCTCTGTGGGCCTCTGAGGGCGGCATGCGGGACTACGACGAGGTGA[C>T]CGCCTTCCTGGGCGAGTGGGGGCCCTTCCAGCGCCTCATCTTCTTCCTGCTCAGCGCCAG-3'
Protein context (NP_003051.1, residues 1-18): MRDYDEV[Thr8Ile]AFLGEWGPFQ

ClinVar aggregate classification (germline): Uncertain significance (1 of 4 stars; one submission).

Conditions:
Renal carnitine transport defect (CDSP). Also called: Systemic primary carnitine deficiency; CARNITINE DEFICIENCY, SYSTEMIC, DUE TO DEFECT IN RENAL REABSORPTION OF CARNITINE; CARNITINE TRANSPORTER, PLASMA-MEMBRANE, DEFICIENCY OF; CARNITINE UPTAKE DEFECT; Primary carnitine deficiency; Carnitine transporter deficiency. Identifiers: Orphanet 158, MedGen C0342788, MONDO:0008919, OMIM 212140.

Submission:

Labcorp Genetics (formerly Invitae), Labcorp
Classification: Uncertain significance for Renal carnitine transport defect. Last evaluated: 2024-10-18. Review status: criteria provided, single submitter. Criteria: Invitae Variant Classification Sherloc (09022015). Collection method: clinical testing. Allele origin: germline.
Comment: This sequence change replaces threonine, which is neutral and polar, with isoleucine, which is neutral and non-polar, at codon 8 of the SLC22A5 protein (p.Thr8Ile). This variant is not present in population databases (gnomAD no frequency). This variant has not been reported in the literature in individuals affected with SLC22A5-related conditions. ClinVar contains an entry for this variant (Variation ID: 2157553). Invitae Evidence Modeling of protein sequence and biophysical properties (such as structural, functional, and spatial information, amino acid conservation, physicochemical variation, residue mobility, and thermodynamic stability) has been performed for this missense variant. However, the output from this modeling did not meet the statistical confidence thresholds required to predict the impact of this variant on SLC22A5 protein function. In summary, the available evidence is currently insufficient to determine the role of this variant in disease. Therefore, it has been classified as a Variant of Uncertain Significance.